The following is an entry in ClinVar:

ClinVar aggregate classification (germline): Pathogenic (1 of 4 stars; one submission).

Submission:

Labcorp Genetics (formerly Invitae), Labcorp
Classification: Pathogenic. Last evaluated: 2025-10-03. Review status: criteria provided, single submitter. Criteria: Invitae Variant Classification Sherloc (09022015). Collection method: clinical testing. Allele origin: germline.
Comment: This sequence change creates a premature translational stop signal (p.Asn183Lysfs*16) in the ABCA4 gene. It is expected to result in an absent or disrupted protein product. Loss-of-function variants in ABCA4 are known to be pathogenic (PMID: 10958761, 24938718, 25312043, 26780318). This variant is not present in population databases (gnomAD no frequency). This variant has not been reported in the literature in individuals affected with ABCA4-related conditions. For these reasons, this variant has been classified as Pathogenic.

Literature cited by the submitters: PubMed 10958761; PubMed 24938718; PubMed 25312043; PubMed 26780318.

NM_000350.3(ABCA4):c.549_555del (p.Asn183fs)

Gene: ABCA4 (ATP binding cassette subfamily A member 4; minus strand). Cytogenetic location: 1p22.1.
Variant type: Deletion.
Coding change: c.549_555del on transcript NM_000350.3 (MANE Select); coding-DNA positions 549 to 555, 7 bases deleted (CTCTCAA; older notation c.549_555delCTCTCAA).
Protein change: p.Asn183fs; shifts the reading frame from asparagine 183.
Molecular consequence: frameshift variant.
Genome position (GRCh38, 1-based): chr1:94,103,030-94,103,036, TTGAGAG deleted on the plus strand (CTCTCAA on the coding strand, the reverse complement: ABCA4 is on the minus strand); deleting any 7 consecutive bases within chr1:94,103,030-94,103,040 gives the same sequence; the c. name uses the placement nearest the transcript's 3' end. VCF-style (leftmost placement, unchanged base first): chr1-94103029-CTTGAGAG-C. GRCh37 (hg19) VCF-style: chr1-94568585-CTTGAGAG-C.
Other names: c.549_555del, p.Asn183fs (NM_001425324.1); short protein forms N183fs.
Identifiers: ClinVar variation 4728381 (VCV004728381.1).